The following is an entry in ClinVar:

NM_001048174.2(MUTYH):c.1198G>C (p.Ala400Pro)

Gene: MUTYH (mutY DNA glycosylase; minus strand). Cytogenetic location: 1p34.1.
Variant type: single nucleotide variant.
Coding change: c.1198G>C on transcript NM_001048174.2 (MANE Select); coding-DNA position 1198, G replaced by C.
Protein change: p.Ala400Pro; replaces alanine 400 with proline.
Molecular consequence: missense variant. On other transcripts: non-coding transcript variant (7).
Genome position (GRCh38, 1-based): chr1:45,331,461, C>G on the plus strand (G>C on the coding strand, the complement: MUTYH is on the minus strand). VCF-style: chr1-45331461-C-G. GRCh37 (hg19) VCF-style: chr1-45797133-C-G.
Other names: c.1198G>C, p.Ala400Pro (NM_001048171.2, NM_001048173.2, NM_001293195.2 and 6 more transcripts); c.1201G>C, p.Ala401Pro (NM_001048172.2, NM_001407071.1, NM_001407086.1 and 1 more transcripts); c.1282G>C, p.Ala428Pro (NM_001128425.2); c.1243G>C, p.Ala415Pro (NM_001293190.2); c.1231G>C, p.Ala411Pro (NM_001293191.2, NM_001407069.1, NM_001407077.1); c.922G>C, p.Ala308Pro (NM_001293192.2, NM_001293196.2, NM_001407091.1); c.853G>C, p.Ala285Pro (NM_001350650.2, NM_001350651.2, NM_001407082.1); c.1240G>C, p.Ala414Pro (NM_001407085.1, NM_001407083.1); and 5 more; short protein forms A285P, A387P, A407P, A411P, A415P, A425P, A308P, A372P.
Identifiers: ClinVar variation 2612187 (VCV002612187.6), dbSNP rs2149118682, ClinGen allele CA340132899.

ClinVar aggregate classification (germline): Conflicting classifications of pathogenicity. Review status: criteria provided, conflicting classifications (1 of 4 stars). 3 submissions from 3 submitters: Likely pathogenic (1); Uncertain significance (2). Last evaluated 2026-08-20.

Conditions:
Hereditary cancer-predisposing syndrome. Also called: Hereditary Cancer Syndrome; Hereditary neoplastic syndrome; Neoplastic Syndromes, Hereditary; Tumor predisposition. Identifiers: Orphanet 140162, MedGen C0027672, MeSH D009386, MONDO:0015356.
Familial adenomatous polyposis 2. Also called: MUTYH-related attenuated familial adenomatous polyposis; MUTYH-associated polyposis; MUTYH Polyposis; FAP type 2; COLORECTAL ADENOMATOUS POLYPOSIS, AUTOSOMAL RECESSIVE; ADENOMAS, MULTIPLE COLORECTAL, AUTOSOMAL RECESSIVE. Identifiers: Orphanet 220460, Orphanet 247798, MedGen C3272841, MONDO:0012041, OMIM 608456.

Submissions (3):

Myriad Genetics, Inc.
Classification: Likely pathogenic for Familial adenomatous polyposis 2. Last evaluated: 2026-08-20. Review status: criteria provided, single submitter. Criteria: Myriad Autosomal Dominant, Autosomal Recessive and X-Linked Classification Criteria (2023). Collection method: clinical testing. Allele origin: unknown.
Comment: This variant is considered likely pathogenic. This variant is expected to disrupt protein structure [Myriad internal data]. Functional studies indicate this variant impacts protein function [PMID: 40738107].

Ambry Genetics
Classification: Uncertain significance for Hereditary cancer-predisposing syndrome. Last evaluated: 2023-07-11. Review status: criteria provided, single submitter. Criteria: Ambry Variant Classification Scheme 2023. Collection method: clinical testing. Allele origin: germline.
Comment: The p.A428P variant (also known as c.1282G>C), located in coding exon 13 of the MUTYH gene, results from a G to C substitution at nucleotide position 1282. The alanine at codon 428 is replaced by proline, an amino acid with highly similar properties. This amino acid position is conserved. In addition, the in silico prediction for this alteration is inconclusive. Since supporting evidence is limited at this time, the clinical significance of this alteration remains unclear.

Labcorp Genetics (formerly Invitae), Labcorp
Classification: Uncertain significance for Familial adenomatous polyposis 2. Last evaluated: 2023-03-13. Review status: criteria provided, single submitter. Criteria: Invitae Variant Classification Sherloc (09022015). Collection method: clinical testing. Allele origin: germline.
Comment: In summary, the available evidence is currently insufficient to determine the role of this variant in disease. Therefore, it has been classified as a Variant of Uncertain Significance. An algorithm developed to predict the effect of missense changes on protein structure and function (PolyPhen-2) suggests that this variant is likely to be disruptive. This variant has not been reported in the literature in individuals affected with MUTYH-related conditions. This variant is not present in population databases (gnomAD no frequency). This sequence change replaces alanine, which is neutral and non-polar, with proline, which is neutral and non-polar, at codon 428 of the MUTYH protein (p.Ala428Pro).

Literature cited by the submitters: PubMed 40738107 (cited by Myriad Genetics, Inc.).